The following is an entry in ClinVar:

NM_001365999.1(SZT2):c.2988G>T (p.Met996Ile)

Gene: SZT2 (SZT2 subunit of KICSTOR complex; plus strand). Cytogenetic location: 1p34.2.
Variant type: single nucleotide variant.
Coding change: c.2988G>T on transcript NM_001365999.1 (MANE Select); coding-DNA position 2988, G replaced by T.
Protein change: p.Met996Ile; replaces methionine 996 with isoleucine.
Molecular consequence: missense variant.
Genome position (GRCh38, 1-based): chr1:43,426,096, G>T. VCF-style: chr1-43426096-G-T. GRCh37 (hg19) VCF-style: chr1-43891767-G-T.
Other names: c.2988G>T, p.Met996Ile (NM_015284.4); short protein forms M996I.
Identifiers: ClinVar variation 1040260 (VCV001040260.7), dbSNP rs1653112312, ClinGen allele CA340016153.

ClinVar aggregate classification (germline): Uncertain significance (1 of 4 stars; one submission).

Allele frequency attached by ClinVar (database versions not stated): gnomAD exomes below 0.00001.
gnomAD v4.1: 2 of 1,614,124 alleles (0.00012%); highest among the groups gnomAD compares: Non-Finnish European, 0.00017%; no homozygotes.

Submission:

Labcorp Genetics (formerly Invitae), Labcorp
Classification: Uncertain significance. Last evaluated: 2018-04-02. Review status: criteria provided, single submitter. Criteria: Invitae Variant Classification Sherloc (09022015). Collection method: clinical testing. Allele origin: germline.
Comment: This sequence change replaces methionine with isoleucine at codon 996 of the SZT2 protein (p.Met996Ile). The methionine residue is moderately conserved and there is a small physicochemical difference between methionine and isoleucine. In summary, the available evidence is currently insufficient to determine the role of this variant in disease. Therefore, it has been classified as a Variant of Uncertain Significance. Algorithms developed to predict the effect of missense changes on protein structure and function (SIFT, PolyPhen-2, Align-GVGD) all suggest that this variant is likely to be tolerated, but these predictions have not been confirmed by published functional studies and their clinical significance is uncertain. This variant has not been reported in the literature in individuals with SZT2-related disease. This variant is not present in population databases (ExAC no frequency).